The following is an entry in ClinVar:

NM_013275.6(ANKRD11):c.4016dup (p.Cys1339fs)

Gene: ANKRD11 (ankyrin repeat domain 11; minus strand). Cytogenetic location: 16q24.3.
Variant type: Duplication.
Coding change: c.4016dup on transcript NM_013275.6 (MANE Select); coding-DNA position 4016, one base duplicated (G; older notation c.4016dupG).
Protein change: p.Cys1339fs; shifts the reading frame from cysteine 1339.
Molecular consequence: frameshift variant.
Genome position (GRCh38, 1-based): chr16:89,282,526, C duplicated on the plus strand (G on the coding strand, the reverse complement: ANKRD11 is on the minus strand). VCF-style (leftmost placement, unchanged base first): chr16-89282525-G-GC. GRCh37 (hg19) VCF-style: chr16-89348933-G-GC.
Other names: c.4016dup, p.Cys1339fs (NM_001256182.2, NM_001256183.2); short protein forms C1339fs.
Identifiers: ClinVar variation 2847140 (VCV002847140.3), dbSNP rs2544234611, ClinGen allele CA2739265544.

ClinVar aggregate classification (germline): Pathogenic (1 of 4 stars; one submission).

Conditions:
KBG syndrome (KBGS). Also called: ANKRD11-Related KBG Syndrome. Identifiers: Orphanet 2332, MedGen C0220687, MONDO:0007846, OMIM 148050.

Submission:

Labcorp Genetics (formerly Invitae), Labcorp
Classification: Pathogenic for KBG syndrome. Last evaluated: 2023-03-18. Review status: criteria provided, single submitter. Criteria: Invitae Variant Classification Sherloc (09022015). Collection method: clinical testing. Allele origin: germline.
Comment: For these reasons, this variant has been classified as Pathogenic. This variant has not been reported in the literature in individuals affected with ANKRD11-related conditions. This variant is not present in population databases (gnomAD no frequency). This sequence change creates a premature translational stop signal (p.Cys1339Trpfs*4) in the ANKRD11 gene. It is expected to result in an absent or disrupted protein product. Loss-of-function variants in ANKRD11 are known to be pathogenic (PMID: 21782149, 25125236, 25413698, 25652421).

Literature cited by the submitters: PubMed 21782149; PubMed 25125236; PubMed 25413698; PubMed 25652421.